The following is an entry in ClinVar:

NM_004606.5(TAF1):c.1170G>A (p.Glu390=)

Gene: TAF1 (TATA-box binding protein associated factor 1; plus strand). Cytogenetic location: Xq13.1.
Variant type: single nucleotide variant.
Coding change: c.1170G>A on transcript NM_004606.5 (MANE Select); coding-DNA position 1170, G replaced by A.
Protein change: p.Glu390=; no amino-acid change (glutamic acid 390 retained).
Molecular consequence: synonymous variant. On other transcripts: non-coding transcript variant (9).
Genome position (GRCh38, 1-based): chrX:71,378,841, G>A. VCF-style: chrX-71378841-G-A. GRCh37 (hg19) VCF-style: chrX-70598691-G-A.
Other names: c.1170G>A, p.Glu390= (NM_001286074.2); c.1107G>A, p.Glu369= (NM_138923.4).
Identifiers: ClinVar variation 2660877 (VCV002660877.24), dbSNP rs749288564, ClinGen allele CA10446680.

ClinVar aggregate classification (germline): Likely benign (1 of 4 stars; one submission).

Allele frequency attached by ClinVar (database versions not stated): ExAC 0.00001; gnomAD 0.00001; gnomAD exomes 0.00001; TOPMed 0.00001.
gnomAD v4.1: 7 of 1,209,488 alleles (0.00058%); highest among the groups gnomAD compares: Non-Finnish European, 0.00078%; no homozygotes.

Submission:

CeGaT Center for Human Genetics Tuebingen
Classification: Likely benign. Last evaluated: 2023-07-01. Review status: criteria provided, single submitter. Criteria: CeGaT Center For Human Genetics Tuebingen Variant Classification Criteria Version 2. Collection method: clinical testing. Allele origin: germline. Affected: yes. Observed: 1 variant allele.
Comment: TAF1: BP4, BP7